The following is an entry in ClinVar:

ClinVar aggregate classification (germline): Uncertain significance (1 of 4 stars; one submission).

Submission:

GeneDx
Classification: Uncertain significance. Last evaluated: 2026-03-30. Review status: criteria provided, single submitter. Criteria: GeneDx Variant Classification Process June 2021. Collection method: clinical testing. Allele origin: germline.
Comment: Not observed at significant frequency in large population cohorts (gnomAD); Canonical splice site variant in a gene or region of a gene for which loss of function is not a well-established mechanism of disease; Has not been previously published as pathogenic or benign to our knowledge

NM_001005373.4(LRSAM1):c.1503+1G>A

Gene: LRSAM1 (leucine rich repeat and sterile alpha motif containing 1; plus strand). Cytogenetic location: 9q33.3.
Variant type: single nucleotide variant.
Coding change: c.1503+1G>A on transcript NM_001005373.4 (MANE Select); the canonical splice donor site of the intron after coding-DNA position 1503, G replaced by A.
Molecular consequence: splice donor variant. On other transcripts: intron variant (1).
Genome position (GRCh38, 1-based): chr9:127,491,296, G>A. VCF-style: chr9-127491296-G-A. GRCh37 (hg19) VCF-style: chr9-130253575-G-A.
Other names: c.1503+1G>A (NM_138361.5, NM_001384142.1, NM_001384143.1 and 1 more transcripts); c.1423-1506G>A (NM_001190723.3); c.714+1G>A (NM_001384144.1).
Identifiers: ClinVar variation 5017928 (VCV005017928.1).